The following is an entry in ClinVar:

NM_014249.4(NR2E3):c.50C>T (p.Ala17Val)

Gene: NR2E3 (nuclear receptor subfamily 2 group E member 3; plus strand). Cytogenetic location: 15q23.
Variant type: single nucleotide variant.
Coding change: c.50C>T on transcript NM_014249.4 (MANE Select); coding-DNA position 50, C replaced by T.
Protein change: p.Ala17Val; replaces alanine 17 with valine.
Molecular consequence: missense variant.
Genome position (GRCh38, 1-based): chr15:71,810,793, C>T. VCF-style: chr15-71810793-C-T. GRCh37 (hg19) VCF-style: chr15-72103133-C-T.
Other names: c.50C>T, p.Ala17Val (NM_016346.4); c.50C>T (NM_014249.2); short protein forms A17V.
Identifiers: ClinVar variation 846003 (VCV000846003.5), dbSNP rs534483995, ClinGen allele CA7640178.

ClinVar aggregate classification (germline): Conflicting classifications of pathogenicity. Review status: criteria provided, conflicting classifications (1 of 4 stars). 3 submissions from 3 submitters: Uncertain significance (1); Likely benign (1). 1 of the submissions does not count toward it. Last evaluated 2022-11-17.

Conditions:
Inborn genetic diseases. Identifiers: MedGen C0950123, MeSH D030342.
Goldmann-Favre syndrome. Identifiers: Orphanet 53540, MedGen C0339541, MONDO:0100289.

Allele frequency attached by ClinVar (database versions not stated): gnomAD exomes 0.00003 and 0.00004; gnomAD 0.00006 and 0.00007; TOPMed 0.00006; ExAC 0.00009; 1000 Genomes Project 30x 0.00016; 1000 Genomes Project 0.00020.
gnomAD v4.1: 57 of 1,576,504 alleles (0.0036%); highest among the groups gnomAD compares: Middle Eastern, 0.033%; no homozygotes.

Submissions (3):

Ambry Genetics
Classification: Likely benign for Inborn genetic diseases. Last evaluated: 2022-11-17. Review status: criteria provided, single submitter. Criteria: Ambry Variant Classification Scheme 2023. Collection method: clinical testing. Allele origin: germline.

Labcorp Genetics (formerly Invitae), Labcorp
Classification: Uncertain significance. Last evaluated: 2022-09-09. Review status: criteria provided, single submitter. Criteria: Invitae Variant Classification Sherloc (09022015). Collection method: clinical testing. Allele origin: germline.
Comment: This sequence change replaces alanine, which is neutral and non-polar, with valine, which is neutral and non-polar, at codon 17 of the NR2E3 protein (p.Ala17Val). The frequency data for this variant in the population databases is considered unreliable, as metrics indicate poor data quality at this position in the gnomAD database. This variant has not been reported in the literature in individuals affected with NR2E3-related conditions. ClinVar contains an entry for this variant (Variation ID: 846003). Experimental studies and prediction algorithms are not available or were not evaluated, and the functional significance of this variant is currently unknown. In summary, the available evidence is currently insufficient to determine the role of this variant in disease. Therefore, it has been classified as a Variant of Uncertain Significance.

Natera, Inc.
Classification: Uncertain significance for Goldmann-Favre syndrome. Last evaluated: 2020-08-13. Review status: no assertion criteria provided. Collection method: clinical testing. Allele origin: germline. Not counted in ClinVar's aggregate classification.